The following is an entry in ClinVar:

NM_000535.7(PMS2):c.851C>T (p.Ser284Leu)

Gene: PMS2 (PMS1 homolog 2, mismatch repair system component; minus strand). Cytogenetic location: 7p22.1.
Variant type: single nucleotide variant.
Coding change: c.851C>T on transcript NM_000535.7 (MANE Select); coding-DNA position 851, C replaced by T.
Protein change: p.Ser284Leu; replaces serine 284 with leucine.
Molecular consequence: missense variant. On other transcripts: 5 prime UTR variant (2), non-coding transcript variant (1).
Genome position (GRCh38, 1-based): chr7:5,995,586, G>A on the plus strand (C>T on the coding strand, the complement: PMS2 is on the minus strand). VCF-style: chr7-5995586-G-A. GRCh37 (hg19) VCF-style: chr7-6035217-G-A.
Other names: c.446C>T, p.Ser149Leu (NM_001322003.2, NM_001322004.2, NM_001322005.2 and 2 more transcripts); c.851C>T, p.Ser284Leu (NM_001322006.2, NM_001322014.2); c.533C>T, p.Ser178Leu (NM_001322007.2, NM_001322008.2); c.-83C>T (NM_001322011.2, NM_001322012.2); c.278C>T, p.Ser93Leu (NM_001322013.2); c.542C>T, p.Ser181Leu (NM_001322015.2); short protein forms S284L, S149L, S178L, S93L, S181L.
Identifiers: ClinVar variation 143018 (VCV000143018.22), dbSNP rs587782898, ClinGen allele CA012998.

ClinVar aggregate classification (germline): Uncertain significance. Review status: criteria provided, multiple submitters, no conflicts (2 of 4 stars). 6 submissions from 6 submitters: Uncertain significance (6). Last evaluated 2025-05-03.

Conditions:
Hereditary nonpolyposis colorectal neoplasms. Identifiers: MedGen C0009405, MeSH D003123.
Hereditary cancer-predisposing syndrome. Also called: Hereditary Cancer Syndrome; Neoplastic Syndromes, Hereditary; Hereditary neoplastic syndrome; Tumor predisposition. Identifiers: Orphanet 140162, MedGen C0027672, MeSH D009386, MONDO:0015356.
Lynch syndrome. Identifiers: Orphanet 144, MedGen C4552100, MONDO:0005835. Disease mechanism: loss of function.

Allele frequency attached by ClinVar (database versions not stated): gnomAD exomes 0.00003.
gnomAD v4.1: 25 of 1,613,986 alleles (0.0015%); highest among the groups gnomAD compares: Non-Finnish European, 0.0021%; no homozygotes.

Submissions (6):

Ambry Genetics
Classification: Uncertain significance for Hereditary cancer-predisposing syndrome. Last evaluated: 2025-05-03. Review status: criteria provided, single submitter. Criteria: Ambry Variant Classification Scheme 2023. Collection method: clinical testing. Allele origin: germline.
Comment: The p.S284L variant (also known as c.851C>T), located in coding exon 8 of the PMS2 gene, results from a C to T substitution at nucleotide position 851. The serine at codon 284 is replaced by leucine, an amino acid with dissimilar properties. This amino acid position is not well conserved in available vertebrate species. In addition, the in silico prediction for this alteration is inconclusive. Since supporting evidence is limited at this time, the clinical significance of this alteration remains unclear.

Labcorp Genetics (formerly Invitae), Labcorp
Classification: Uncertain significance for Hereditary nonpolyposis colorectal neoplasms. Last evaluated: 2024-03-09. Review status: criteria provided, single submitter. Criteria: Invitae Variant Classification Sherloc (09022015). Collection method: clinical testing. Allele origin: germline.
Comment: This sequence change replaces serine, which is neutral and polar, with leucine, which is neutral and non-polar, at codon 284 of the PMS2 protein (p.Ser284Leu). This variant is not present in population databases (gnomAD no frequency). This variant has not been reported in the literature in individuals affected with PMS2-related conditions. ClinVar contains an entry for this variant (Variation ID: 143018). Advanced modeling of protein sequence and biophysical properties (such as structural, functional, and spatial information, amino acid conservation, physicochemical variation, residue mobility, and thermodynamic stability) performed at Invitae indicates that this missense variant is expected to disrupt PMS2 protein function with a positive predictive value of 80%. Algorithms developed to predict the effect of sequence changes on RNA splicing suggest that this variant may disrupt the consensus splice site. In summary, the available evidence is currently insufficient to determine the role of this variant in disease. Therefore, it has been classified as a Variant of Uncertain Significance.

All of Us Research Program, National Institutes of Health
Classification: Uncertain significance for Lynch syndrome. Last evaluated: 2023-09-17. Review status: criteria provided, single submitter. Criteria: ACMG Guidelines, 2015. Collection method: clinical testing. Allele origin: germline. Inheritance: Autosomal dominant inheritance. Observed: 2 variant alleles, 2 heterozygotes.
Comment: This variant is located in the PMS2 protein. Computational prediction suggests that this variant may not impact protein structure and function (internally defined REVEL score threshold <= 0.5, PMID: 27666373). To our knowledge, functional studies have not been reported for this variant. This variant has not been reported in individuals affected with PMS2-related disorders in the literature. This variant has not been identified in the general population by the Genome Aggregation Database (gnomAD). The available evidence is insufficient to determine the role of this variant in disease conclusively. Therefore, this variant is classified as a Variant of Uncertain Significance.

This study involves interpretation of variants in research participants for the purpose of population health screening. Participant phenotype was not available at the time of variant classification. Additional details can be found in publication PMID: 35346344, PMCID: PMC8962531

Color Diagnostics, LLC DBA Color Health
Classification: Uncertain significance for Hereditary cancer-predisposing syndrome. Last evaluated: 2023-09-01. Review status: criteria provided, single submitter. Criteria: ACMG Guidelines, 2015. Collection method: clinical testing. Allele origin: germline.
Comment: This variant is located in the PMS2 protein. Computational prediction suggests that this variant may not impact protein structure and function (internally defined REVEL score threshold <= 0.5, PMID: 27666373). To our knowledge, functional studies have not been reported for this variant. This variant has not been reported in individuals affected with PMS2-related disorders in the literature. This variant has not been identified in the general population by the Genome Aggregation Database (gnomAD). The available evidence is insufficient to determine the role of this variant in disease conclusively. Therefore, this variant is classified as a Variant of Uncertain Significance.

Women's Health and Genetics/Laboratory Corporation of America, LabCorp
Classification: Uncertain significance. Last evaluated: 2021-08-01. Review status: criteria provided, single submitter. Criteria: LabCorp Variant Classification Summary - May 2015. Collection method: clinical testing. Allele origin: germline.
Comment: Variant summary: PMS2 c.851C>T (p.Ser284Leu) results in a non-conservative amino acid change located in the DNA mismatch repair protein family, N-terminal domain (IPR002099) of the encoded protein sequence. Three of five in-silico tools predict a damaging effect of the variant on protein function. The variant was absent in 251434 control chromosomes. The available data on variant occurrences in the general population are insufficient to allow any conclusion about variant significance. To our knowledge, no occurrence of c.851C>T in individuals affected with Lynch Syndrome and no experimental evidence demonstrating its impact on protein function have been reported. Three clinical diagnostic laboratories have submitted clinical-significance assessments for this variant to ClinVar after 2014 without evidence for independent evaluation. All laboratories classified the variant as uncertain significance. Based on the evidence outlined above, the variant was classified as uncertain significance.

GeneDx
Classification: Uncertain significance. Last evaluated: 2019-08-05. Review status: criteria provided, single submitter. Criteria: GeneDx Variant Classification Process June 2021. Collection method: clinical testing. Allele origin: germline. Affected: yes.
Comment: Not observed in large population cohorts (Lek 2016); In silico analysis, which includes protein predictors and evolutionary conservation, supports a deleterious effect; Has not been previously published as pathogenic or benign to our knowledge